The following is an entry in ClinVar:

ClinVar aggregate classification (germline): Pathogenic/Likely pathogenic. Review status: criteria provided, multiple submitters, no conflicts (2 of 4 stars). 3 submissions from 3 submitters: Pathogenic (1); Likely pathogenic (2). Last evaluated 2026-01-05.

Conditions:
Familial infantile myasthenia (CMS6). Also called: MYASTHENIC SYNDROME, PRESYNAPTIC, CONGENITAL, ASSOCIATED WITH EPISODIC APNEA; Congenital myasthenic syndrome type 6; MYASTHENIC SYNDROME, CONGENITAL, 6, PRESYNAPTIC. Identifiers: Orphanet 590, MedGen C0393929, MONDO:0009689, OMIM 254210.

Allele frequency attached by ClinVar (database versions not stated): gnomAD 0.00001; TOPMed 0.00001; 1000 Genomes Project 30x 0.00016.
gnomAD v4.1: 19 of 1,614,180 alleles (0.0012%); highest among the groups gnomAD compares: African/African-American, 0.0013%; no homozygotes.

Submissions (3):

Labcorp Genetics (formerly Invitae), Labcorp
Classification: Pathogenic for Familial infantile myasthenia. Last evaluated: 2026-01-05. Review status: criteria provided, single submitter. Criteria: Invitae Variant Classification Sherloc (09022015). Collection method: clinical testing. Allele origin: germline.
Comment: This sequence change creates a premature translational stop signal (p.Gly411*) in the CHAT gene. It is expected to result in an absent or disrupted protein product. Loss-of-function variants in CHAT are known to be pathogenic (PMID: 12548525, 21786365, 23292760). This variant is present in population databases (rs746595362, gnomAD 0.003%). This variant has not been reported in the literature in individuals affected with CHAT-related conditions. ClinVar contains an entry for this variant (Variation ID: 2680736). For these reasons, this variant has been classified as Pathogenic.

Fulgent Genetics
Classification: Likely pathogenic for Familial infantile myasthenia. Last evaluated: 2024-02-12. Review status: criteria provided, single submitter. Criteria: ACMG Guidelines, 2015. Collection method: clinical testing. Allele origin: germline.

Baylor Genetics
Classification: Likely pathogenic for Familial infantile myasthenia. Last evaluated: 2023-12-13. Review status: criteria provided, single submitter. Criteria: ACMG Guidelines, 2015. Collection method: clinical testing. Allele origin: unknown.

Literature cited by the submitters: PubMed 12548525 (cited by Labcorp Genetics (formerly Invitae), Labcorp); PubMed 21786365 (cited by Labcorp Genetics (formerly Invitae), Labcorp); PubMed 23292760 (cited by Labcorp Genetics (formerly Invitae), Labcorp).

NM_020549.5(CHAT):c.1231G>T (p.Gly411Ter)

Gene: CHAT (choline O-acetyltransferase; plus strand). Cytogenetic location: 10q11.23.
Variant type: single nucleotide variant.
Coding change: c.1231G>T on transcript NM_020549.5 (MANE Select); coding-DNA position 1231, G replaced by T.
Protein change: p.Gly411Ter; replaces glycine 411 with a stop codon.
Molecular consequence: nonsense.
Genome position (GRCh38, 1-based): chr10:49,646,624, G>T. VCF-style: chr10-49646624-G-T. GRCh37 (hg19) VCF-style: chr10-50854670-G-T.
Other names: c.877G>T, p.Gly293Ter (NM_001142929.2, NM_001142934.2, NM_020984.4 and 2 more transcripts); c.985G>T, p.Gly329Ter (NM_001142933.2); short protein forms G293*, G329*, G411*.
Identifiers: ClinVar variation 2680736 (VCV002680736.6), dbSNP rs746595362, ClinGen allele CA5497417.